The following is an entry in ClinVar:

ClinVar aggregate classification (germline): Likely benign (1 of 4 stars; one submission).

Conditions:
RIMS2-related disorder. Also called: RIMS2-related condition.

gnomAD v4.1: 68 of 1,596,824 alleles (0.0043%); highest among the groups gnomAD compares: Middle Eastern, 0.066%; no homozygotes.

Submission:

PreventionGenetics, part of Exact Sciences
Classification: Likely benign for RIMS2-related condition. Last evaluated: 2025-08-21. Review status: criteria provided, single submitter. Criteria: ACMG Guidelines, 2015. Collection method: clinical testing. Allele origin: germline.
Comment: This variant is classified as likely benign based on ACMG/AMP sequence variant interpretation guidelines (Richards et al. 2015 PMID: 25741868, with internal and published modifications).

NM_001348484.3(RIMS2):c.3837A>G (p.Ser1279=)

Gene: RIMS2 (regulating synaptic membrane exocytosis 2; plus strand). Cytogenetic location: 8q22.3.
Variant type: single nucleotide variant.
Coding change: c.3837A>G on transcript NM_001348484.3 (MANE Select); coding-DNA position 3837, A replaced by G.
Protein change: p.Ser1279=; no amino-acid change (serine 1279 retained).
Molecular consequence: synonymous variant. On other transcripts: intron variant (22).
Genome position (GRCh38, 1-based): chr8:104,093,614, A>G. VCF-style: chr8-104093614-A-G. GRCh37 (hg19) VCF-style: chr8-105105842-A-G.
Other names: c.3663A>G, p.Ser1221= (NM_001348489.2); c.3576A>G, p.Ser1192= (NM_001348490.2); c.2988A>G, p.Ser996= (NM_001348498.2, NM_001348503.2); c.2841A>G, p.Ser947= (NM_001348501.2); c.3084A>G, p.Ser1028= (NM_001348509.2); c.3690A>G, p.Ser1230= (NM_001395652.1); c.3549A>G, p.Ser1183= (NM_001395653.1); c.3696A>G, p.Ser1232= (NM_001395654.1); and 22 more.
Identifiers: ClinVar variation 4989722 (VCV004989722.1).
Genomic context (GRCh38, chr8:104,093,614, plus strand): 5'-GGTTTCAAGGACTAGTAGTGCTTCTCGTTTCAGCAGCACAAGCTACATGTCTGTCCAATC[A>G]GAACGCCCAGGAGGAAACAAGAAAATCAGGTAAGGGGATTTCAACAACAAACTTCTCTAA-3'
Protein context (NP_001335413.1, residues 1269-1289): FSSTSYMSVQ[Ser1279=]ERPGGNKKIS